The following is an entry in ClinVar:

NM_000137.4(FAH):c.996C>T (p.His332=)

Gene: FAH (fumarylacetoacetate hydrolase; plus strand). Cytogenetic location: 15q25.1.
Variant type: single nucleotide variant.
Coding change: c.996C>T on transcript NM_000137.4 (MANE Select); coding-DNA position 996, C replaced by T.
Protein change: p.His332=; no amino-acid change (histidine 332 retained).
Molecular consequence: synonymous variant.
Genome position (GRCh38, 1-based): chr15:80,180,159, C>T. VCF-style: chr15-80180159-C-T. GRCh37 (hg19) VCF-style: chr15-80472501-C-T.
Other names: c.996C>T, p.His332= (NM_001374377.1, NM_001374380.1).
Identifiers: ClinVar variation 744833 (VCV000744833.16), dbSNP rs182877963, ClinGen allele CA7691433.

ClinVar aggregate classification (germline): Likely benign. Review status: criteria provided, single submitter (1 of 4 stars). 3 submissions from 3 submitters: Likely benign (1). 2 of the submissions do not count toward it. Last evaluated 2025-11-12.

Conditions:
Tyrosinemia type I (TYRSN1). Also called: FAH DEFICIENCY; HEPATORENAL TYROSINEMIA; Tyrosinemia type 1; Fumarylacetoacetase deficiency; Deficiency of fumarylacetoacetase. Identifiers: Orphanet 882, MedGen C0268490, MONDO:0010161, OMIM 276700. Disease mechanism: loss of function.
FAH-related disorder. Also called: FAH-related condition.

Allele frequency attached by ClinVar (database versions not stated): ExAC 0.00001; gnomAD exomes 0.00001 and 0.00002; gnomAD 0.00010 and 0.00011; TOPMed 0.00012; 1000 Genomes Project 30x 0.00016; 1000 Genomes Project 0.00020.
gnomAD v4.1: 24 of 1,611,114 alleles (0.0015%); highest among the groups gnomAD compares: African/African-American, 0.031%; no homozygotes.

Submissions (3):

Labcorp Genetics (formerly Invitae), Labcorp
Classification: Likely benign for Tyrosinemia type I. Last evaluated: 2025-11-12. Review status: criteria provided, single submitter. Criteria: Invitae Variant Classification Sherloc (09022015). Collection method: clinical testing. Allele origin: germline.

Natera, Inc.
Classification: Likely benign for Tyrosinemia type I. Last evaluated: 2020-09-29. Review status: no assertion criteria provided. Collection method: clinical testing. Allele origin: germline. Not counted in ClinVar's aggregate classification.

PreventionGenetics, part of Exact Sciences
Classification: Likely benign for FAH-related condition. Last evaluated: 2019-12-26. Review status: no assertion criteria provided. Collection method: clinical testing. Allele origin: germline. Not counted in ClinVar's aggregate classification.
Comment: This variant is classified as likely benign based on ACMG/AMP sequence variant interpretation guidelines (Richards et al. 2015 PMID: 25741868, with internal and published modifications).